The following is an entry in ClinVar:

ClinVar aggregate classification (germline): Uncertain significance (1 of 4 stars; one submission).

Submission:

Labcorp Genetics (formerly Invitae), Labcorp
Classification: Uncertain significance. Last evaluated: 2022-05-05. Review status: criteria provided, single submitter. Criteria: Invitae Variant Classification Sherloc (09022015). Collection method: clinical testing. Allele origin: germline.
Comment: This sequence change replaces isoleucine, which is neutral and non-polar, with leucine, which is neutral and non-polar, at codon 239 of the PCLO protein (p.Ile239Leu). In summary, the available evidence is currently insufficient to determine the role of this variant in disease. Therefore, it has been classified as a Variant of Uncertain Significance. Algorithms developed to predict the effect of missense changes on protein structure and function are either unavailable or do not agree on the potential impact of this missense change (SIFT: "Tolerated"; PolyPhen-2: "Not Available"; Align-GVGD: "Class C0"). This variant has not been reported in the literature in individuals affected with PCLO-related conditions. This variant is not present in population databases (gnomAD no frequency).

NM_033026.6(PCLO):c.715A>C (p.Ile239Leu)

Gene: PCLO (piccolo presynaptic cytomatrix protein; minus strand). Cytogenetic location: 7q21.11.
Variant type: single nucleotide variant.
Coding change: c.715A>C on transcript NM_033026.6 (MANE Select); coding-DNA position 715, A replaced by C.
Protein change: p.Ile239Leu; replaces isoleucine 239 with leucine.
Molecular consequence: missense variant.
Genome position (GRCh38, 1-based): chr7:83,155,926, T>G on the plus strand (A>C on the coding strand, the complement: PCLO is on the minus strand). VCF-style: chr7-83155926-T-G. GRCh37 (hg19) VCF-style: chr7-82785242-T-G.
Other names: c.715A>C, p.Ile239Leu (NM_014510.3); short protein forms I239L.
Identifiers: ClinVar variation 1948916 (VCV001948916.5), dbSNP rs774956570, ClinGen allele CA367919741.